The following is an entry in ClinVar:

NM_001903.5(CTNNA1):c.2046G>A (p.Ala682=)

Gene: CTNNA1 (catenin alpha 1; plus strand). Cytogenetic location: 5q31.2.
Variant type: single nucleotide variant.
Coding change: c.2046G>A on transcript NM_001903.5 (MANE Select); coding-DNA position 2046, G replaced by A.
Protein change: p.Ala682=; no amino-acid change (alanine 682 retained).
Molecular consequence: synonymous variant.
Genome position (GRCh38, 1-based): chr5:138,930,508, G>A. VCF-style: chr5-138930508-G-A. GRCh37 (hg19) VCF-style: chr5-138266197-G-A.
Other names: c.2046G>A, p.Ala682= (NM_001290307.3, NM_001323982.2, NM_001323983.1 and 2 more transcripts); c.1737G>A, p.Ala579= (NM_001290309.3); c.1677G>A, p.Ala559= (NM_001290310.3); c.936G>A, p.Ala312= (NM_001290312.1, NM_001323987.1, NM_001323988.1 and 17 more transcripts); c.1953G>A, p.Ala651= (NM_001323986.2); c.597G>A, p.Ala199= (NM_001324006.1, NM_001324007.1, NM_001324008.1 and 2 more transcripts); c.843G>A, p.Ala281= (NM_001324011.1); c.693G>A, p.Ala231= (NM_001324012.1, NM_001324013.1).
Identifiers: ClinVar variation 700693 (VCV000700693.15), dbSNP rs1466157213, ClinGen allele CA446597820.
Genomic context (GRCh38, chr5:138,930,508, plus strand): 5'-GAGCTCTTTGTGCTTCTGATCACAGGCGATCATGGCTCAGCTTCCCCAGGAGCAAAAAGC[G>A]AAGATTGCGGAACAGGTGGCCAGCTTCCAGGAAGAAAAGAGCAAGCTGGATGCTGAAGTG-3'
Protein context (NP_001894.2, residues 672-692): IMAQLPQEQK[Ala682=]KIAEQVASFQ

ClinVar aggregate classification (germline): Benign/Likely benign. Review status: criteria provided, multiple submitters, no conflicts (2 of 4 stars). 4 submissions from 4 submitters: Benign (1); Likely benign (3). Last evaluated 2026-01-26.

Conditions:
Hereditary nonpolyposis colon cancer (HNPCC). Also called: Hereditary nonpolyposis colorectal cancer; Familial nonpolyposis colon cancer; Hereditary Nonpolyposis Colorectal Cancer Syndrome. Identifiers: Orphanet 443909, MedGen C1333990, MONDO:0018630. Disease mechanism: loss of function.
Hereditary cancer-predisposing syndrome. Also called: Tumor predisposition; Hereditary neoplastic syndrome; Hereditary Cancer Syndrome; Neoplastic Syndromes, Hereditary. Identifiers: Orphanet 140162, MedGen C0027672, MeSH D009386, MONDO:0015356.
Hereditary diffuse gastric adenocarcinoma (HDGC). Also called: DIFFUSE GASTRIC AND LOBULAR BREAST CANCER SYNDROME. Identifiers: Orphanet 26106, MedGen C1708349, MONDO:0007648, OMIM 137215.

Allele frequency attached by ClinVar (database versions not stated): gnomAD exomes below 0.00001; TOPMed below 0.00001; gnomAD 0.00001.
gnomAD v4.1: 3 of 1,613,744 alleles (0.00019%); highest among the groups gnomAD compares: African/African-American, 0.0013%; no homozygotes.

Submissions (4):

Labcorp Genetics (formerly Invitae), Labcorp
Classification: Likely benign. Last evaluated: 2026-01-26. Review status: criteria provided, single submitter. Criteria: Invitae Variant Classification Sherloc (09022015). Collection method: clinical testing. Allele origin: germline.

Myriad Genetics, Inc.
Classification: Benign for Hereditary diffuse gastric adenocarcinoma. Last evaluated: 2024-10-14. Review status: criteria provided, single submitter. Criteria: Myriad Autosomal Dominant, Autosomal Recessive and X-Linked Classification Criteria (2023). Collection method: clinical testing. Allele origin: unknown.
Comment: This variant is considered benign. This variant is a silent/synonymous amino acid change and it is not expected to impact splicing.

Department of Pathology and Laboratory Medicine, Sinai Health System
Classification: Likely benign for hereditary nonpolyposis colon cancer. Last evaluated: 2023-10-11. Review status: criteria provided, single submitter. Criteria: ACMG Guidelines, 2015. Collection method: clinical testing. Allele origin: germline. Affected: no.

Ambry Genetics
Classification: Likely benign for Hereditary cancer-predisposing syndrome. Last evaluated: 2020-09-03. Review status: criteria provided, single submitter. Criteria: Ambry Variant Classification Scheme 2023. Collection method: clinical testing. Allele origin: germline.